The following is an entry in ClinVar:

NM_001378183.1(PIEZO2):c.1766del (p.Phe589fs)

Gene: PIEZO2 (piezo type mechanosensitive ion channel component 2; minus strand). Cytogenetic location: 18p11.22.
Variant type: Deletion.
Coding change: c.1766del on transcript NM_001378183.1 (MANE Select); coding-DNA position 1766, one base deleted (T; older notation c.1766delT).
Protein change: p.Phe589fs; shifts the reading frame from phenylalanine 589.
Molecular consequence: frameshift variant.
Genome position (GRCh38, 1-based): chr18:10,791,317, A deleted on the plus strand (T on the coding strand, the reverse complement: PIEZO2 is on the minus strand); the first of 4 consecutive A bases (chr18:10,791,317-10,791,320); deleting any one gives the same sequence. VCF-style (leftmost placement, unchanged base first): chr18-10791316-GA-G. GRCh37 (hg19) VCF-style: chr18-10791314-GA-G.
Other names: c.1766del, p.Phe589fs (NM_001410871.1, NM_022068.4); short protein forms F589fs.
Identifiers: ClinVar variation 2572505 (VCV002572505.1), dbSNP rs1388570121, ClinGen allele CA628195554.
Genomic context (GRCh38, chr18:10,791,316, plus strand): 5'-TTCTTGCAGAGCTTTTTGCTCTGTGAGGTGCTGCCTCAGCAGTAGCCAAAAAGTAATGGT[GA>G]AAAGGATCTGAAAGTAGAGAAGCAGCAAAACAAGAATTAAGCAACCATTTGGAATGTAAA-3'

ClinVar aggregate classification (germline): Likely pathogenic (1 of 4 stars; one submission).

Conditions:
Arthrogryposis, distal, with impaired proprioception and touch (DAIPT). Identifiers: MedGen C4310692, MONDO:0014941, OMIM 617146.

Submission:

3billion
Classification: Likely pathogenic for Arthrogryposis, distal, with impaired proprioception and touch. Review status: criteria provided, single submitter. Criteria: ACMG Guidelines, 2015. Collection method: clinical testing. Allele origin: unknown. Affected: yes. Observed: 1 heterozygote.
Comment: The variant is observed at an extremely low frequency in the gnomAD v2.1.1 dataset (total allele frequency: 0.002%). The variant is predicted to result in a loss or disruption of normal protein function through nonsense-mediated decay (NMD) or protein truncation. Multiple pathogenic variants are reported downstream of the variant. Therefore, this variant is classified as Likely pathogenic according to the recommendation of ACMG/AMP guideline.